The following is an entry in ClinVar:

ClinVar aggregate classification (germline): Uncertain significance (1 of 4 stars; one submission).

Submission:

Labcorp Genetics (formerly Invitae), Labcorp
Classification: Uncertain significance. Last evaluated: 2024-03-04. Review status: criteria provided, single submitter. Criteria: Invitae Variant Classification Sherloc (09022015). Collection method: clinical testing. Allele origin: germline.
Comment: This sequence change replaces asparagine, which is neutral and polar, with lysine, which is basic and polar, at codon 41 of the COL9A1 protein (p.Asn41Lys). This variant is not present in population databases (gnomAD no frequency). This variant has not been reported in the literature in individuals affected with COL9A1-related conditions. ClinVar contains an entry for this variant (Variation ID: 1375383). Advanced modeling of protein sequence and biophysical properties (such as structural, functional, and spatial information, amino acid conservation, physicochemical variation, residue mobility, and thermodynamic stability) performed at Invitae indicates that this missense variant is not expected to disrupt COL9A1 protein function with a negative predictive value of 95%. In summary, the available evidence is currently insufficient to determine the role of this variant in disease. Therefore, it has been classified as a Variant of Uncertain Significance.

NM_001851.6(COL9A1):c.123T>A (p.Asn41Lys)

Gene: COL9A1 (collagen type IX alpha 1 chain; minus strand). Cytogenetic location: 6q13.
Variant type: single nucleotide variant.
Coding change: c.123T>A on transcript NM_001851.6 (MANE Select); coding-DNA position 123, T replaced by A.
Protein change: p.Asn41Lys; replaces asparagine 41 with lysine.
Molecular consequence: missense variant.
Genome position (GRCh38, 1-based): chr6:70,300,352, A>T on the plus strand (T>A on the coding strand, the complement: COL9A1 is on the minus strand). VCF-style: chr6-70300352-A-T. GRCh37 (hg19) VCF-style: chr6-71010055-A-T.
Other names: c.123T>A, p.Asn41Lys (NM_001377291.1); short protein forms N41K.
Identifiers: ClinVar variation 1375383 (VCV001375383.6), dbSNP rs905464646, ClinGen allele CA140828752.